The following is an entry in ClinVar:

ClinVar aggregate classification (germline): Uncertain significance (1 of 4 stars; one submission).

Conditions:
Hereditary breast ovarian cancer syndrome. Also called: Hereditary breast and/or ovarian cancer syndrome; BRCA1- and BRCA2-Associated Hereditary Breast and Ovarian Cancer; Hereditary breast and ovarian cancer syndrome; Hereditary breast and ovarian cancer; Hereditary breast and ovarian cancer syndrome (HBOC); Breast and ovarian cancer. Identifiers: Orphanet 145, MedGen C0677776, MeSH D061325, MONDO:0003582. Disease mechanism: loss of function.

Submissions (2):

Labcorp Genetics (formerly Invitae), Labcorp
Classification: Uncertain significance for Hereditary breast ovarian cancer syndrome. Last evaluated: 2025-08-31. Review status: criteria provided, single submitter. Criteria: Invitae Variant Classification Sherloc (09022015). Collection method: clinical testing. Allele origin: germline.
Comment: This sequence change replaces methionine, which is neutral and non-polar, with leucine, which is neutral and non-polar, at codon 1689 of the BRCA1 protein (p.Met1689Leu). This variant is not present in population databases (gnomAD no frequency). This variant has not been reported in the literature in individuals affected with BRCA1-related conditions. ClinVar contains an entry for this variant (Variation ID: 864898). Invitae Evidence Modeling incorporating data from in vitro experimental studies (PMID: 30209399) indicates that this missense variant is not expected to disrupt BRCA1 function with a negative predictive value of 95%. Algorithms developed to predict the effect of sequence changes on RNA splicing suggest that this variant may disrupt the consensus splice site. This variant disrupts the p.Met1689 amino acid residue in BRCA1. Other variant(s) that disrupt this residue have been determined to be pathogenic (PMID: 15172985, 17924331, 20516115, 27272900). This suggests that this residue is clinically significant, and that variants that disrupt this residue are likely to be disease-causing. In summary, the available evidence is currently insufficient to determine the role of this variant in disease. Therefore, it has been classified as a Variant of Uncertain Significance.

Brotman Baty Institute, University of Washington
No classification provided (evidence only). Condition: Breast-ovarian cancer, familial 1. Review status: no classification provided. Collection method: in vitro. Allele origin: not applicable. Functional consequence: functionally_normal. Not counted in ClinVar's aggregate classification.
ClinVar note: "not provided" was previously submitted as the classification for the variant. However, the classification appeared to be based only on an observation of functional data so it was converted to no classification on 2025-07-30.

Literature cited by the submitters: PubMed 30209399 (cited by Labcorp Genetics (formerly Invitae), Labcorp); PubMed 15172985 (cited by Labcorp Genetics (formerly Invitae), Labcorp); PubMed 17924331 (cited by Labcorp Genetics (formerly Invitae), Labcorp); PubMed 20516115 (cited by Labcorp Genetics (formerly Invitae), Labcorp); PubMed 27272900 (cited by Labcorp Genetics (formerly Invitae), Labcorp).

NM_007294.4(BRCA1):c.5065A>T (p.Met1689Leu)

Gene: BRCA1 (BRCA1 DNA repair associated; minus strand). Cytogenetic location: 17q21.31.
Variant type: single nucleotide variant.
Coding change: c.5065A>T on transcript NM_007294.4 (MANE Select); coding-DNA position 5065, A replaced by T.
Protein change: p.Met1689Leu; replaces methionine 1689 with leucine.
Molecular consequence: missense variant. On other transcripts: non-coding transcript variant (1).
Genome position (GRCh38, 1-based): chr17:43,067,617, T>A on the plus strand (A>T on the coding strand, the complement: BRCA1 is on the minus strand). VCF-style: chr17-43067617-T-A. GRCh37 (hg19) VCF-style: chr17-41219634-T-A.
Other names: c.4852A>T, p.Met1618Leu (NM_001407571.1, NM_001407894.1, NM_001407895.1 and 12 more transcripts); c.5131A>T, p.Met1711Leu (NM_001407581.1, NM_001407582.1); c.5128A>T, p.Met1710Leu (NM_001407583.1, NM_001407585.1, NM_001407587.1 and 1 more transcripts); c.5125A>T, p.Met1709Leu (NM_001407590.1, NM_001407591.1); c.5065A>T, p.Met1689Leu (NM_001407593.1, NM_001407594.1, NM_001407596.1 and 8 more transcripts); c.5062A>T, p.Met1688Leu (NM_001407617.1, NM_001407618.1, NM_001407619.1 and 17 more transcripts); c.5059A>T, p.Met1687Leu (NM_001407636.1, NM_001407637.1, NM_001407638.1 and 14 more transcripts); c.5056A>T, p.Met1686Leu (NM_001407644.1, NM_001407645.1); and 70 more; short protein forms M1642L, M1710L, M1689L, M585L, M1393L, M1600L, M1617L, M1619L.
Identifiers: ClinVar variation 864898 (VCV000864898.4), dbSNP rs1555579619, ClinGen allele CA10591389.
Genomic context (GRCh38, chr17:43,067,617, plus strand): 5'-TGTGGTTTTATGCAGCAGATGCAAGGTATTCTGTAAAGGTTCTTGGTATACCTGTTTTCA[T>A]AACAACATGAGTAGTCTCTTCAGTAATTAGATTAGTTAAAGTGATGTGGTGTTTTCTGGC-3'
Protein context (NP_009225.1, residues 1679-1699): LITEETTHVV[Met1689Leu]KTDAEFVCER